The following is an entry in ClinVar:

NM_000156.6(GAMT):c.497T>C (p.Leu166Pro)

Gene: GAMT (guanidinoacetate N-methyltransferase; minus strand). Cytogenetic location: 19p13.3.
Variant type: single nucleotide variant.
Coding change: c.497T>C on transcript NM_000156.6 (MANE Select); coding-DNA position 497, T replaced by C.
Protein change: p.Leu166Pro; replaces leucine 166 with proline.
Molecular consequence: missense variant.
Genome position (GRCh38, 1-based): chr19:1,398,989, A>G on the plus strand (T>C on the coding strand, the complement: GAMT is on the minus strand). VCF-style: chr19-1398989-A-G. GRCh37 (hg19) VCF-style: chr19-1398988-A-G.
Other names: NM_138924.3:c.497T>C; NM_000156.6(GAMT):c.497T>C; p.Leu166Pro; c.497T>C, p.Leu166Pro (NM_138924.3); short protein forms L166P.
Identifiers: ClinVar variation 1312506 (VCV001312506.4), dbSNP rs1483148182, ClinGen allele CA402994573.
Genomic context (GRCh38, chr19:1,398,989, plus strand): 5'-GTGATGTCTGAGTACTTGGACTTCATCAGCTCCCCCCAGGAGGTGAGGTTGCAGTAGGTG[A>G]GGACGCCCCCCGGCTTCAGCAGGCGAAAGGCGTGGTTCTGTGGAAGGGGAGTGGCCAGTG-3'
Protein context (NP_000147.1, residues 156-176): AFRLLKPGGV[Leu166Pro]TYCNLTSWGE

ClinVar aggregate classification (germline): Pathogenic. Review status: reviewed by expert panel (3 of 4 stars). 2 submissions from 2 submitters: Pathogenic (1). 1 of the submissions does not count toward it. Last evaluated 2025-12-10.

Conditions:
Deficiency of guanidinoacetate methyltransferase (CCDS2). Also called: GAMT DEFICIENCY; Guanidinoacetate Methyltransferase (GAMT) Deficiency; CEREBRAL CREATINE DEFICIENCY SYNDROME 2. Identifiers: Orphanet 382, MedGen C0574080, MONDO:0012999, OMIM 612736.
Cerebral creatine deficiency syndrome. Also called: Creatine deficiency syndromes. Identifiers: Orphanet 79172, MedGen C5244016, MONDO:0000456.

Allele frequency attached by ClinVar (database versions not stated): gnomAD exomes below 0.00001.
gnomAD v4.1: 1 of 1,613,438 alleles (0.000062%); highest among the groups gnomAD compares: Non-Finnish European, 0.000085%; no homozygotes.

Submissions (2):

ClinGen Cerebral Creatine Deficiency Syndromes Variant Curation Expert Panel, ClinGen
Classification: Pathogenic for Deficiency of guanidinoacetate methyltransferase. Last evaluated: 2025-12-10. Review status: reviewed by expert panel. Criteria: ClinGen CCDS ACMG Specifications GAMT V2.0.0. Collection method: curation. Allele origin: germline. Inheritance: Autosomal recessive inheritance.
Comment: The NM_000156.6:c.497T>C variant in GAMT is a missense variant predicted to cause substitution of leucine by proline at amino acid 166 (p.Leu166Pro). This variant has been detected in one individual with absent creatine peak on brain MRS, elevated guanidinoacetate and low creatine in urine, and decreased fibroblast GAMT activity (<5% normal); full GAMT gene sequencing was performed (PMID: 17186272, 17466557, 24268530, 24415674) (PP4_Strong). This individual was homozygous for the variant (0.5pts, PM3_Supporting) (PMID: 24268530, PMID: 17466557, PMID: 17186272). The highest population minor allele frequency in gnomAD v4.1.0. is 8.475e-7 (1/1179994 alleles) in the European non-Finnish population, which is lower than the ClinGen CCDS VCEP’s threshold for PM2_Supporting (<0.0004), meeting this criterion (PM2_Supporting). Expression of the variant in GAMT-deficient human fibroblast cell line resulted in <5% wild type GAMT activity indicating that this variant may impact protein function (PMID: 24415674) (PS3_Supporting). The computational predictor REVEL gives a score of 0.953 which is above the threshold of 0.932, evidence that correlates with impact to GAMT function at the strong level (PMID: 36413997) (PP3_Strong). There is a ClinVar entry for this variant (Variation ID: 1312506). In summary, this variant meets the criteria to be classified as pathogenic for GAMT deficiency based on the GAMT-specific ACMG/AMP criteria applied, as specified by the ClinGen Cerebral Creatine Deficiency Syndromes Variant Curation Expert Panel (Specifications Version 2.0.0): PP3_Strong, PP4_Strong, PS3_Supporting, PM2_Supporting, PM3_Supporting (Classification approved by the ClinGen Cerebral Creatine Deficiency Syndromes Variant Curation Expert Panel on December 10, 2025)

Broad Center for Mendelian Genomics, Broad Institute of MIT and Harvard
Classification: Likely pathogenic for Cerebral creatine deficiency syndrome. Last evaluated: 2021-11-02. Review status: criteria provided, single submitter. Criteria: ACMG Guidelines, 2015. Collection method: curation. Allele origin: germline. Inheritance: Autosomal recessive inheritance. Not counted in ClinVar's aggregate classification.
Comment: The p.Leu166Pro variant in GAMT has been reported in 1 homozygous individual with cerebral creatine deficiency syndrome (PMID: 24268530) and has been identified in 0.0009% (1/113320) of European (non-Finnish) chromosomes by the Genome Aggregation Database (gnomAD; dbSNP ID: rs1483148182). Although this variant has been seen in the general population in a heterozygous state, its frequency is low enough to be consistent with a recessive carrier frequency. In vitro functional studies provide some evidence that the p.Leu166Pro variant may slightly impact protein function (PMID: 24415674). However, these types of assays may not accurately represent biological function. Computational prediction tools and conservation analyses suggest that this variant may impact the protein. The phenotype of an individual homozygous for this variant is highly specific for cerebral creatine deficiency syndrome based on strict biochemical investigations consistent with disease (PMID: 24415674, 24268530). In summary, although additional studies are required to fully establish its clinical significance, this variant is likely pathogenic for autosomal recessive cerebral creatine deficiency syndrome. ACMG/AMP Criteria applied: PM3_supporting, PM2_supporting, PP3, PS3_supporting, PP4_strong (Richards 2015).